The following is an entry in ClinVar:

NM_001006658.3(CR2):c.890A>G (p.Tyr297Cys)

Genes: CR2 (complement C3d receptor 2; plus strand), LOC126805994 (BRD4-independent group 4 enhancer GRCh37_chr1:207642622-207643821; plus strand). Cytogenetic location: 1q32.2.
Variant type: single nucleotide variant.
Coding change: c.890A>G on transcript NM_001006658.3 (MANE Select); coding-DNA position 890, A replaced by G.
Protein change: p.Tyr297Cys; replaces tyrosine 297 with cysteine.
Molecular consequence: missense variant.
Genome position (GRCh38, 1-based): chr1:207,469,767, A>G. VCF-style: chr1-207469767-A-G. GRCh37 (hg19) VCF-style: chr1-207643112-A-G.
Other names: c.890A>G, p.Tyr297Cys (NM_001877.5); short protein forms Y297C.
Identifiers: ClinVar variation 2738600 (VCV002738600.4), dbSNP rs780465137, ClinGen allele CA1368574.

ClinVar aggregate classification (germline): Uncertain significance. Review status: criteria provided, multiple submitters, no conflicts (2 of 4 stars). 2 submissions from 2 submitters: Uncertain significance (2). Last evaluated 2024-01-23.

Conditions:
Immunodeficiency, common variable, 7. Identifiers: Orphanet 1572, Orphanet 696894, MedGen C3542922, MONDO:0013862, OMIM 614699.
Inborn genetic diseases. Identifiers: MedGen C0950123, MeSH D030342.

Allele frequency attached by ClinVar (database versions not stated): gnomAD 0.00001; ExAC 0.00002; TOPMed 0.00001; gnomAD exomes 0.00002.
gnomAD v4.1: 11 of 1,613,842 alleles (0.00068%); highest among the groups gnomAD compares: Non-Finnish European, 0.00093%; no homozygotes.

Submissions (2):

Ambry Genetics
Classification: Uncertain significance for Inborn genetic diseases. Last evaluated: 2024-01-23. Review status: criteria provided, single submitter. Criteria: Ambry Variant Classification Scheme 2023. Collection method: clinical testing. Allele origin: germline.

Labcorp Genetics (formerly Invitae), Labcorp
Classification: Uncertain significance for Immunodeficiency, common variable, 7. Last evaluated: 2023-03-21. Review status: criteria provided, single submitter. Criteria: Invitae Variant Classification Sherloc (09022015). Collection method: clinical testing. Allele origin: germline.
Comment: This sequence change replaces tyrosine, which is neutral and polar, with cysteine, which is neutral and slightly polar, at codon 297 of the CR2 protein (p.Tyr297Cys). This variant is present in population databases (rs780465137, gnomAD 0.003%). This variant has not been reported in the literature in individuals affected with CR2-related conditions. An algorithm developed to predict the effect of missense changes on protein structure and function (PolyPhen-2) suggests that this variant is likely to be disruptive. In summary, the available evidence is currently insufficient to determine the role of this variant in disease. Therefore, it has been classified as a Variant of Uncertain Significance.